The following is an entry in ClinVar:

NM_005035.4(POLRMT):c.2240C>T (p.Pro747Leu)

Gene: POLRMT (RNA polymerase mitochondrial; minus strand). Cytogenetic location: 19p13.3.
Variant type: single nucleotide variant.
Coding change: c.2240C>T on transcript NM_005035.4 (MANE Select); coding-DNA position 2240, C replaced by T.
Protein change: p.Pro747Leu; replaces proline 747 with leucine.
Molecular consequence: missense variant. On other transcripts: non-coding transcript variant (1).
Genome position (GRCh38, 1-based): chr19:621,458, G>A on the plus strand (C>T on the coding strand, the complement: POLRMT is on the minus strand). VCF-style: chr19-621458-G-A. GRCh37 (hg19) VCF-style: chr19-621458-G-A.
Other names: c.2240C>T, p.Pro747Leu (NM_001407805.1, NM_001407808.1, NM_001407812.1 and 4 more transcripts); c.2231C>T, p.Pro744Leu (NM_001407806.1, NM_001407809.1); c.2228C>T, p.Pro743Leu (NM_001407807.1, NM_001407810.1); c.2198C>T, p.Pro733Leu (NM_001407811.1, NM_001407813.1); c.2015C>T, p.Pro672Leu (NM_001407830.1, NM_001407832.1); c.1916C>T, p.Pro639Leu (NM_001407831.1, NM_001407833.1, NM_001407835.1 and 1 more transcripts); c.1907C>T, p.Pro636Leu (NM_001407834.1); short protein forms P636L, P639L, P672L, P733L, P743L, P744L, P747L.
Identifiers: ClinVar variation 4886636 (VCV004886636.2).

ClinVar aggregate classification (germline): Uncertain significance (1 of 4 stars; one submission).

gnomAD v4.1: 5 of 1,384,688 alleles (0.00036%); highest among the groups gnomAD compares: Non-Finnish European, 0.00046%; no homozygotes.

Submission:

Dasa
Classification: Uncertain significance. Last evaluated: 2024-12-03. Review status: criteria provided, single submitter. Criteria: DASA Assertion Criteria. Collection method: clinical testing. Allele origin: germline.
Comment: NM_005035.4(POLRMT):c.2240C>T (p.Pro747Leu) is a missense variant that results in the substitution of proline with leucine. This variant is rare in population databases. Computational prediction algorithms are consistent with a benign effect. The currently available literature and clinical evidence are not sufficient to establish a definitive association between this variant and the reported condition. Therefore, this variant is classified as a variant of uncertain significance.